The following is an entry in ClinVar:

NM_000141.5(FGFR2):c.722A>G (p.Asn241Ser)

Gene: FGFR2 (fibroblast growth factor receptor 2; minus strand). Cytogenetic location: 10q26.13.
Variant type: single nucleotide variant.
Coding change: c.722A>G on transcript NM_000141.5 (MANE Select); coding-DNA position 722, A replaced by G.
Protein change: p.Asn241Ser; replaces asparagine 241 with serine.
Molecular consequence: missense variant. On other transcripts: non-coding transcript variant (1).
Genome position (GRCh38, 1-based): chr10:121,538,618, T>C on the plus strand (A>G on the coding strand, the complement: FGFR2 is on the minus strand). VCF-style: chr10-121538618-T-C. GRCh37 (hg19) VCF-style: chr10-123298132-T-C.
Other names: c.722A>G, p.Asn241Ser (NM_001144913.1, NM_001144914.1, NM_001144917.2 and 2 more transcripts); c.455A>G, p.Asn152Ser (NM_001144915.2, NM_001144919.2, NM_023029.3); c.377A>G, p.Asn126Ser (NM_001144916.2, NM_001144918.2); short protein forms N126S, N152S, N241S.
Identifiers: ClinVar variation 3621720 (VCV003621720.3).

ClinVar aggregate classification (germline): Uncertain significance. Review status: criteria provided, multiple submitters, no conflicts (2 of 4 stars). 2 submissions from 2 submitters: Uncertain significance (2). Last evaluated 2025-08-12.

Conditions:
FGFR2-related craniosynostosis. Identifiers: MedGen CN231480.
Inborn genetic diseases. Identifiers: MedGen C0950123, MeSH D030342.

gnomAD v4.1: 11 of 1,614,058 alleles (0.00068%); highest among the groups gnomAD compares: African/African-American, 0.0027%; no homozygotes.

Submissions (2):

Ambry Genetics
Classification: Uncertain significance for Inborn genetic diseases. Last evaluated: 2025-08-12. Review status: criteria provided, single submitter. Criteria: Ambry Variant Classification Scheme 2023. Collection method: clinical testing. Allele origin: germline.

Labcorp Genetics (formerly Invitae), Labcorp
Classification: Uncertain significance for FGFR2-related craniosynostosis. Last evaluated: 2024-09-03. Review status: criteria provided, single submitter. Criteria: Invitae Variant Classification Sherloc (09022015). Collection method: clinical testing. Allele origin: germline.
Comment: This sequence change replaces asparagine, which is neutral and polar, with serine, which is neutral and polar, at codon 241 of the FGFR2 protein (p.Asn241Ser). This variant is present in population databases (no rsID available, gnomAD 0.007%). This variant has not been reported in the literature in individuals affected with FGFR2-related conditions. Invitae Evidence Modeling of protein sequence and biophysical properties (such as structural, functional, and spatial information, amino acid conservation, physicochemical variation, residue mobility, and thermodynamic stability) has been performed for this missense variant. However, the output from this modeling did not meet the statistical confidence thresholds required to predict the impact of this variant on FGFR2 protein function. In summary, the available evidence is currently insufficient to determine the role of this variant in disease. Therefore, it has been classified as a Variant of Uncertain Significance.